The following is an entry in ClinVar:

ClinVar aggregate classification (germline): Uncertain significance (1 of 4 stars; one submission).

Submission:

Labcorp Genetics (formerly Invitae), Labcorp
Classification: Uncertain significance. Last evaluated: 2020-10-07. Review status: criteria provided, single submitter. Criteria: Invitae Variant Classification Sherloc (09022015). Collection method: clinical testing. Allele origin: germline.
Comment: This variant results in a copy number gain of the genomic region encompassing the full coding sequence of the COL9A1 gene. The boundaries of this event are unknown as they extend beyond the assayed region for this gene and therefore may encompass additional genes. As the precise location of this event is unknown, it may be in tandem or it may be located elsewhere in the genome. This variant has not been reported in the literature in individuals with COL9A1-related conditions. In summary, the available evidence is currently insufficient to determine the role of this variant in disease. Therefore, it has been classified as a Variant of Uncertain Significance.

NC_000006.11:g.(?_69802503)_(71012627_?)dup

Genes: ADGRB3 (adhesion G protein-coupled receptor B3; plus strand), COL19A1 (collagen type XIX alpha 1 chain; plus strand), COL9A1 (collagen type IX alpha 1 chain; minus strand), LMBRD1 (LMBR1 domain containing 1; minus strand). Cytogenetic location: 6q12-13.
Variant type: Duplication.
Identifiers: ClinVar variation 1010763 (VCV001010763.4).